The following is an entry in ClinVar:

ClinVar aggregate classification (germline): Benign (1 of 4 stars; one submission).

Conditions:
ADGRE2-related disorder. Also called: ADGRE2-related condition.

Allele frequency attached by ClinVar (database versions not stated): gnomAD exomes 0.03194; 1000 Genomes Project 0.38558; 1000 Genomes Project 30x 0.47017.

Submission:

PreventionGenetics, part of Exact Sciences
Classification: Benign for ADGRE2-related condition. Last evaluated: 2019-09-24. Review status: criteria provided, single submitter. Criteria: ACMG Guidelines, 2015. Collection method: clinical testing. Allele origin: germline.
Comment: This variant is classified as benign based on ACMG/AMP sequence variant interpretation guidelines (Richards et al. 2015 PMID: 25741868, with internal and published modifications).

NM_013447.4(ADGRE2):c.432G>C (p.Thr144=)

Gene: ADGRE2 (adhesion G protein-coupled receptor E2; minus strand). Cytogenetic location: 19p13.12.
Variant type: single nucleotide variant.
Coding change: c.432G>C on transcript NM_013447.4 (MANE Select); coding-DNA position 432, G replaced by C.
Protein change: p.Thr144=; no amino-acid change (threonine 144 retained).
Molecular consequence: synonymous variant. On other transcripts: intron variant (1).
Genome position (GRCh38, 1-based): chr19:14,767,033, C>G on the plus strand (G>C on the coding strand, the complement: ADGRE2 is on the minus strand). VCF-style: chr19-14767033-C-G. GRCh37 (hg19) VCF-style: chr19-14877845-C-G.
Other names: c.432G>C, p.Thr144= (NM_001271052.1, NM_152916.2); c.356-1229G>C (NM_152917.2).
Identifiers: ClinVar variation 3060872 (VCV003060872.1), dbSNP rs10420288, ClinGen allele CA9258163.
Genomic context (GRCh38, chr19:14,767,033, plus strand): 5'-TCTACCTGTGCAGAGCTTCGGGTCCTCAGGTTTGAGCTTGAAGCCAGGCAGGCACTGGCA[C>G]GTGTAGCTGCCGAGGGTGTTGACGCAGGTGCCGTAGCTTTTACAGAGCCTTGGGTTCTGC-3'
Protein context (NP_038475.2, residues 134-154): GTCVNTLGSY[Thr144=]CQCLPGFKLK